The following is an entry in ClinVar:

NM_017777.4(MKS1):c.262-101_262-100del

Gene: MKS1 (MKS transition zone complex subunit 1; minus strand). Cytogenetic location: 17q22.
Variant type: Deletion.
Coding change: c.262-101_262-100del on transcript NM_017777.4 (MANE Select); 101 bases into the intron before coding-DNA position 262 through 100 bases into the intron before coding-DNA position 262, 2 bases deleted (GC; older notation c.262-101_262-100delGC).
Molecular consequence: intron variant.
Genome position (GRCh38, 1-based): chr17:58,216,343-58,216,344, GC deleted on the plus strand (GC on the coding strand, the reverse complement: MKS1 is on the minus strand). VCF-style (leftmost placement, unchanged base first): chr17-58216342-TGC-T. GRCh37 (hg19) VCF-style: chr17-56293703-TGC-T.
Other names: c.-250-101_-250-100del (NM_001321268.2); c.262-101_262-100del (NM_001330397.2, NM_001321269.2, NM_001411113.1).
Identifiers: ClinVar variation 3042199 (VCV003042199.2), dbSNP rs2509455877, ClinGen allele CA2638961182.

ClinVar aggregate classification (germline): Likely benign (0 of 4 stars; one submission).

Conditions:
MKS1-related disorder. Also called: MKS1-related disorders; MKS1-related condition. Identifiers: MedGen CN239382.

Submission:

PreventionGenetics, part of Exact Sciences
Classification: Likely benign for MKS1-related condition. Last evaluated: 2021-04-20. Review status: no assertion criteria provided. Collection method: clinical testing. Allele origin: germline.
Comment: This variant is classified as likely benign based on ACMG/AMP sequence variant interpretation guidelines (Richards et al. 2015 PMID: 25741868, with internal and published modifications).